The following is an entry in ClinVar:

NM_015629.4(PRPF31):c.178-8T>C

Gene: PRPF31 (pre-mRNA processing factor 31; plus strand). Cytogenetic location: 19q13.42.
Variant type: single nucleotide variant.
Coding change: c.178-8T>C on transcript NM_015629.4 (MANE Select); 8 bases into the intron before coding-DNA position 178, T replaced by C.
Molecular consequence: intron variant.
Genome position (GRCh38, 1-based): chr19:54,118,565, T>C. VCF-style: chr19-54118565-T-C. GRCh37 (hg19) VCF-style: chr19-54621945-T-C.
Identifiers: ClinVar variation 3040994 (VCV003040994.4), dbSNP rs587752996, ClinGen allele CA309321115.

ClinVar aggregate classification (germline): Likely benign. Review status: criteria provided, single submitter (1 of 4 stars). 2 submissions from 2 submitters: Likely benign (1). 1 of the submissions does not count toward it. Last evaluated 2025-11-13.

Conditions:
PRPF31-related disorder. Also called: PRPF31-related condition.

Allele frequency attached by ClinVar (database versions not stated): gnomAD 0.00001; ExAC 0.00002; 1000 Genomes Project 30x 0.00016; gnomAD exomes below 0.00001; 1000 Genomes Project 0.00020.
gnomAD v4.1: 10 of 1,614,130 alleles (0.00062%); highest among the groups gnomAD compares: East Asian, 0.013%; no homozygotes.

Submissions (2):

Labcorp Genetics (formerly Invitae), Labcorp
Classification: Likely benign. Last evaluated: 2025-11-13. Review status: criteria provided, single submitter. Criteria: Invitae Variant Classification Sherloc (09022015). Collection method: clinical testing. Allele origin: germline.

PreventionGenetics, part of Exact Sciences
Classification: Likely benign for PRPF31-related condition. Last evaluated: 2019-03-20. Review status: no assertion criteria provided. Collection method: clinical testing. Allele origin: germline. Not counted in ClinVar's aggregate classification.
Comment: This variant is classified as likely benign based on ACMG/AMP sequence variant interpretation guidelines (Richards et al. 2015 PMID: 25741868, with internal and published modifications).